The following is an entry in ClinVar:

NM_022552.5(DNMT3A):c.2311C>T (p.Arg771Ter)

Gene: DNMT3A (DNA methyltransferase 3 alpha; minus strand). Cytogenetic location: 2p23.3.
Variant type: single nucleotide variant.
Coding change: c.2311C>T on transcript NM_022552.5 (MANE Select); coding-DNA position 2311, C replaced by T.
Protein change: p.Arg771Ter; replaces arginine 771 with a stop codon.
Molecular consequence: nonsense. On other transcripts: non-coding transcript variant (1).
Genome position (GRCh38, 1-based): chr2:25,240,313, G>A on the plus strand (C>T on the coding strand, the complement: DNMT3A is on the minus strand). VCF-style: chr2-25240313-G-A. GRCh37 (hg19) VCF-style: chr2-25463182-G-A.
Other names: c.1855C>T, p.Arg619Ter (NM_001320893.1); c.1642C>T, p.Arg548Ter (NM_001375819.1); c.1744C>T, p.Arg582Ter (NM_153759.3); c.2311C>T (NM_175629.1); c.2311C>T, p.Arg771Ter (NM_175629.2); short protein forms R582*, R771*, R619*, R548*.
Identifiers: ClinVar variation 419534 (VCV000419534.44), dbSNP rs779626155, ClinGen allele CA1555658.

ClinVar aggregate classification (germline): Pathogenic/Likely pathogenic. Review status: criteria provided, multiple submitters, no conflicts (2 of 4 stars). 7 submissions from 7 submitters: Pathogenic (6); Likely pathogenic (1). Last evaluated 2025-09-12.

Conditions:
Inborn genetic diseases. Identifiers: MedGen C0950123, MeSH D030342.
DNMT3A-related disorder. Also called: DNMT3A-related disorders; DNMT3A-related condition.
Tatton-Brown-Rahman overgrowth syndrome. Also called: Tatton-Brown-Rahman syndrome; Tall stature-intellectual disability-facial dysmorphism syndrome. Identifiers: Orphanet 404443, MedGen C4014545, MONDO:0014382, OMIM 615879.
Acute myeloid leukemia (AML). Also called: Leukemia, acute myeloid, somatic; Acute myeloid leukemia, adult; AML adult; Acute non-lymphocytic leukemia; Acute granulocytic leukemia; Leukemia, acute myelogenous, somatic. Identifiers: Orphanet 519, MedGen C0023467, MeSH D015470, MONDO:0018874, OMIM 601626, HP:0004808. Disease mechanism: Constitutively activated FLT3.

Allele frequency attached by ClinVar (database versions not stated): gnomAD 0.00004; gnomAD exomes 0.00004; ExAC 0.00005.
gnomAD v4.1: 61 of 1,613,788 alleles (0.0038%); highest among the groups gnomAD compares: Non-Finnish European, 0.0042%; no homozygotes.

Submissions (7):

Ambry Genetics
Classification: Pathogenic for Inborn genetic diseases. Last evaluated: 2025-09-12. Review status: criteria provided, single submitter. Criteria: Ambry Variant Classification Scheme 2023. Collection method: clinical testing. Allele origin: germline.
Comment: The c.2311C>T (p.R771*) alteration, located in exon 19 (coding exon 18) of the DNMT3A gene, consists of a C to T substitution at nucleotide position 2311. This changes the amino acid from a arginine (R) to a stop codon at amino acid position 771. This alteration is expected to result in loss of function by premature protein truncation or nonsense-mediated mRNA decay. for Tatton-Brown-Rahman syndrome; however, it is unlikely to be causative of Heyn-Sproul-Jackson syndrome. The Genome Aggregation Database (gnomAD) data for this variant is unreliable due to technical and/or biological issues; therefore, population frequency estimates were not considered. This variant was reported in individual(s) with features consistent with Tatton-Brown-Rahman syndrome; in at least one individual, it was determined to be de novo (Martin, 2022; Thomas, 2024). Based on the available evidence, this alteration is classified as pathogenic.

Labcorp Genetics (formerly Invitae), Labcorp
Classification: Pathogenic for Tatton-Brown-Rahman overgrowth syndrome. Last evaluated: 2025-04-23. Review status: criteria provided, single submitter. Criteria: Invitae Variant Classification Sherloc (09022015). Collection method: clinical testing. Allele origin: germline.
Comment: This sequence change creates a premature translational stop signal (p.Arg771*) in the DNMT3A gene. It is expected to result in an absent or disrupted protein product. Loss-of-function variants in DNMT3A are known to be pathogenic (PMID: 24614070). This variant is present in population databases (rs779626155, gnomAD 0.01%). This variant has not been reported in the literature in individuals affected with DNMT3A-related conditions. ClinVar contains an entry for this variant (Variation ID: 419534). For these reasons, this variant has been classified as Pathogenic.

GeneDx
Classification: Pathogenic. Last evaluated: 2024-09-21. Review status: criteria provided, single submitter. Criteria: GeneDx Variant Classification Process June 2021. Collection method: clinical testing. Allele origin: germline. Affected: yes.
Comment: Observed in patient with neurodevelopmental disorder in published literature; however, additional clinical information was not provided (PMID: 35904121); Nonsense variant predicted to result in protein truncation or nonsense mediated decay in a gene for which loss of function is a known mechanism of disease; This variant is associated with the following publications: (PMID: 25139356, 26556299, 35982159, 33057194, 35904121)

Clinical Genetics Laboratory, CHRU Nancy
Classification: Pathogenic for Tatton-Brown-Rahman overgrowth syndrome. Last evaluated: 2024-03-24. Review status: criteria provided, single submitter. Criteria: ACMG Guidelines, 2015. Collection method: clinical testing. Allele origin: germline. Affected: yes.

Blueprint Genetics
Classification: Likely pathogenic for DNMT3A-related disorders. Last evaluated: 2021-10-29. Review status: criteria provided, single submitter. Criteria: ACMG Guidelines, 2015. Collection method: clinical testing. Allele origin: germline. Affected: yes. Observed: 1 variant allele.

CeGaT Center for Human Genetics Tuebingen
Classification: Pathogenic. Last evaluated: 2021-02-01. Review status: criteria provided, single submitter. Criteria: CeGaT Center For Human Genetics Tuebingen Variant Classification Criteria Version 2. Collection method: clinical testing. Allele origin: germline. Affected: yes. Observed: 1 variant allele.

Neuberg Centre For Genomic Medicine, NCGM
Classification: Pathogenic for Acute myeloid leukemia. Review status: criteria provided, single submitter. Criteria: ACMG Guidelines, 2015. Collection method: clinical testing. Allele origin: germline. Inheritance: Somatic mutation. Affected: yes.
Comment: The stop gain c.2311C>T (p.Arg771Ter) variant has been reported previously as a somatic variant in an individual affected with myelodysplastic syndrome and refractory anemia (Zhao X. et al., 2017). Germline DNMT3A mutation in familial acute myeloid leukemia has been previously reported (DiNardo CD. et al., 2021). This variant is reported with the allele frequency (0.0003%) in the gnomAD and novel in 1000 genome database. It has been submitted to ClinVar as a Pathogenic variant. This variant is predicted to cause loss of normal protein function through protein truncation. For these reasons, this variant has been classified as Pathogenic.

Literature cited by the submitters: PubMed 37906855 (cited by Ambry Genetics); PubMed 38937076 (cited by Ambry Genetics); PubMed 24614070 (cited by Labcorp Genetics (formerly Invitae), Labcorp).